The following is an entry in ClinVar:

ClinVar aggregate classification (germline): Uncertain significance (1 of 4 stars; one submission).

Conditions:
Osteogenesis imperfecta type I (OI1). Also called: OI, TYPE I; OSTEOGENESIS IMPERFECTA TARDA; OSTEOGENESIS IMPERFECTA WITH BLUE SCLERAE; Classic Non-deforming Osteogenesis Imperfecta with Blue Sclerae; Osteogenesis imperfecta type 1; Lobstein disease. Identifiers: Orphanet 216796, Orphanet 666, MedGen C0023931, MONDO:0008146, OMIM 166200. Disease mechanism: loss of function.

Submission:

Labcorp Genetics (formerly Invitae), Labcorp
Classification: Uncertain significance for Osteogenesis imperfecta type I. Last evaluated: 2019-01-16. Review status: criteria provided, single submitter. Criteria: Invitae Variant Classification Sherloc (09022015). Collection method: clinical testing. Allele origin: germline.
Comment: In summary, the available evidence is currently insufficient to determine the role of this variant in disease. Therefore, it has been classified as a Variant of Uncertain Significance. Algorithms developed to predict the effect of missense changes on protein structure and function output the following: SIFT: "Deleterious"; PolyPhen-2: "Not Available"; Align-GVGD: "Class C0". The asparagine amino acid residue is found in multiple mammalian species, suggesting that this missense change does not adversely affect protein function. These predictions have not been confirmed by published functional studies and their clinical significance is uncertain. This variant is not present in population databases (ExAC no frequency). This sequence change replaces aspartic acid with asparagine at codon 1268 of the COL1A1 protein (p.Asp1268Asn). The aspartic acid residue is moderately conserved and there is a small physicochemical difference between aspartic acid and asparagine.

NM_000088.4(COL1A1):c.3802G>A (p.Asp1268Asn)

Gene: COL1A1 (collagen type I alpha 1 chain; minus strand). Cytogenetic location: 17q21.33.
Variant type: single nucleotide variant.
Coding change: c.3802G>A on transcript NM_000088.4 (MANE Select); coding-DNA position 3802, G replaced by A.
Protein change: p.Asp1268Asn; replaces aspartic acid 1268 with asparagine.
Molecular consequence: missense variant.
Genome position (GRCh38, 1-based): chr17:50,186,652, C>T on the plus strand (G>A on the coding strand, the complement: COL1A1 is on the minus strand). VCF-style: chr17-50186652-C-T. GRCh37 (hg19) VCF-style: chr17-48264013-C-T.
Other names: short protein forms D1268N.
Identifiers: ClinVar variation 640842 (VCV000640842.11), dbSNP rs1598285285, ClinGen allele CA400196013.